The following is an entry in ClinVar:

ClinVar aggregate classification (germline): Pathogenic (1 of 4 stars; one submission).

Conditions:
Metachromatic leukodystrophy (MLD). Also called: ARSA DEFICIENCY; CEREBROSIDE SULFATASE DEFICIENCY; METACHROMATIC LEUKOENCEPHALOPATHY; SULFATIDE LIPIDOSIS; Cerebral sclerosis diffuse metachromatic form; Arylsulfatase A Deficiency. Identifiers: Orphanet 512, MedGen C0023522, MONDO:0018868, OMIM 250100.

Submission:

Myriad Genetics, Inc.
Classification: Pathogenic for Metachromatic leukodystrophy. Last evaluated: 2023-08-12. Review status: criteria provided, single submitter. Criteria: Myriad Autosomal Dominant, Autosomal Recessive and X-Linked Classification Criteria (2023). Collection method: clinical testing. Allele origin: unknown.
Comment: NM_000487.5(ARSA):c.604delC(R202Afs*52) is expected to be pathogenic in the context of metachromatic leukodystrophy. This variant is predicted to lead to an abnormal or absent protein product due to the creation of a premature termination codon in ARSA, a gene where loss-of-function variants are known to be pathogenic. Please note: this variant was assessed in the context of healthy population screening.

NM_000487.6(ARSA):c.604del (p.Arg202fs)

Gene: ARSA (arylsulfatase A; minus strand). Cytogenetic location: 22q13.33.
Variant type: Deletion.
Coding change: c.604del on transcript NM_000487.6 (MANE Select); coding-DNA position 604, one base deleted (C; older notation c.604delC).
Protein change: p.Arg202fs; shifts the reading frame from arginine 202.
Molecular consequence: frameshift variant.
Genome position (GRCh38, 1-based): chr22:50,626,914, G deleted on the plus strand (C on the coding strand, the reverse complement: ARSA is on the minus strand); the first of 3 consecutive G bases (chr22:50,626,914-50,626,916); deleting any one gives the same sequence. VCF-style (leftmost placement, unchanged base first): chr22-50626913-CG-C. GRCh37 (hg19) VCF-style: chr22-51065341-CG-C.
Other names: c.604del, p.Arg202fs (NM_001085425.3, NM_001085426.3, NM_001085427.3); c.346del, p.Arg116fs (NM_001085428.3, NM_001362782.2); short protein forms R116fs, R202fs.
Identifiers: ClinVar variation 5011334 (VCV005011334.1).